The following is an entry in ClinVar:

NM_000179.3(MSH6):c.1562C>A (p.Thr521Lys)

Gene: MSH6 (mutS homolog 6; plus strand). Cytogenetic location: 2p16.3.
Variant type: single nucleotide variant.
Coding change: c.1562C>A on transcript NM_000179.3 (MANE Select); coding-DNA position 1562, C replaced by A.
Protein change: p.Thr521Lys; replaces threonine 521 with lysine.
Molecular consequence: missense variant. On other transcripts: non-coding transcript variant (4), intron variant (1).
Genome position (GRCh38, 1-based): chr2:47,799,545, C>A. VCF-style: chr2-47799545-C-A. GRCh37 (hg19) VCF-style: chr2-48026684-C-A.
Other names: c.1172C>A, p.Thr391Lys (NM_001281492.2); c.656C>A, p.Thr219Lys (NM_001281493.2, NM_001281494.2, NM_001406811.1 and 6 more transcripts); c.1658C>A, p.Thr553Lys (NM_001406795.1, NM_001406802.1); c.1562C>A, p.Thr521Lys (NM_001406796.1, NM_001406798.1, NM_001406800.1 and 4 more transcripts); c.1265C>A, p.Thr422Lys (NM_001406797.1, NM_001406801.1, NM_001406805.1 and 10 more transcripts); c.1037C>A, p.Thr346Lys (NM_001406799.1, NM_001406806.1, NM_001406807.1); c.1484C>A, p.Thr495Lys (NM_001406804.1); c.1568C>A, p.Thr523Lys (NM_001406813.1); and 2 more; short protein forms T219K, T346K, T391K, T422K, T465K, T495K, T521K, T523K.
Identifiers: ClinVar variation 4800201 (VCV004800201.1).

ClinVar aggregate classification (germline): Uncertain significance (1 of 4 stars; one submission).

Conditions:
Hereditary nonpolyposis colorectal neoplasms. Identifiers: MedGen C0009405, MeSH D003123.

Submission:

Labcorp Genetics (formerly Invitae), Labcorp
Classification: Uncertain significance for Hereditary nonpolyposis colorectal neoplasms. Last evaluated: 2025-10-23. Review status: criteria provided, single submitter. Criteria: Invitae Variant Classification Sherloc (09022015). Collection method: clinical testing. Allele origin: germline.
Comment: This sequence change replaces threonine, which is neutral and polar, with lysine, which is basic and polar, at codon 521 of the MSH6 protein (p.Thr521Lys). This variant is not present in population databases (gnomAD no frequency). This variant has not been reported in the literature in individuals affected with MSH6-related conditions. Invitae Evidence Modeling of protein sequence and biophysical properties (such as structural, functional, and spatial information, amino acid conservation, physicochemical variation, residue mobility, and thermodynamic stability) indicates that this missense variant is expected to disrupt MSH6 protein function with a positive predictive value of 95%. Experimental studies have shown that this missense change affects MSH6 function (PMID: 31965077). In summary, the available evidence is currently insufficient to determine the role of this variant in disease. Therefore, it has been classified as a Variant of Uncertain Significance.

Literature cited by the submitters: PubMed 31965077.